The following is an entry in ClinVar:

ClinVar aggregate classification (germline): Uncertain significance (1 of 4 stars; one submission).

Conditions:
TCF4-related disorder. Also called: TCF4-related condition.

gnomAD v4.1: 3 of 1,613,746 alleles (0.00019%); highest among the groups gnomAD compares: Non-Finnish European, 0.00017%; no homozygotes.

Submission:

PreventionGenetics, part of Exact Sciences
Classification: Uncertain significance for TCF4-related condition. Last evaluated: 2023-02-25. Review status: criteria provided, single submitter. Criteria: ACMG Guidelines, 2015. Collection method: clinical testing. Allele origin: germline.
Comment: The TCF4 c.320G>T variant is predicted to result in the amino acid substitution p.Gly107Val. To our knowledge, this variant has not been reported in the literature. This variant is reported in 0.0% of alleles in individuals of African descent in gnomAD. At this time, the clinical significance of this variant is uncertain due to the absence of conclusive functional and genetic evidence.

NM_001083962.2(TCF4):c.320G>T (p.Gly107Val)

Gene: TCF4 (transcription factor 4; minus strand). Cytogenetic location: 18q21.2.
Variant type: single nucleotide variant.
Coding change: c.320G>T on transcript NM_001083962.2 (MANE Select); coding-DNA position 320, G replaced by T.
Protein change: p.Gly107Val; replaces glycine 107 with valine.
Molecular consequence: missense variant. On other transcripts: 5 prime UTR variant (3).
Genome position (GRCh38, 1-based): chr18:55,403,503, C>A on the plus strand (G>T on the coding strand, the complement: TCF4 is on the minus strand). VCF-style: chr18-55403503-C-A. GRCh37 (hg19) VCF-style: chr18-53070734-C-A.
Other names: c.626G>T, p.Gly209Val (NM_001243226.3); c.248G>T, p.Gly83Val (NM_001243227.2, NM_001306207.1, NM_001348217.1 and 15 more transcripts); c.320G>T, p.Gly107Val (NM_001243228.2, NM_001330604.3, NM_001369567.1 and 8 more transcripts); c.314G>T, p.Gly105Val (NM_001243230.2); c.194G>T, p.Gly65Val (NM_001243231.2, NM_001348211.2); c.110G>T, p.Gly37Val (NM_001243232.1, NM_001306208.1); c.-71G>T (NM_001243233.2, NM_001348213.2); c.-68G>T (NM_001348212.2); short protein forms G105V, G107V, G209V, G37V, G65V, G83V.
Identifiers: ClinVar variation 2630419 (VCV002630419.1), dbSNP rs749677962, ClinGen allele CA8970545.
Genomic context (GRCh38, chr18:55,403,503, plus strand): 5'-TTCTCACTTACCTGGTGGCAACCCTGTAAGTTTGATTCTCTCCCATAAGATGAGTATGAG[C>A]CCCTTTCTGTTTTACCTGCCAAGAGAAACGACAAAAAAGTGTAAATTGTGTTTTTCCTTA-3'
Protein context (NP_001077431.1, residues 97-117): NSRIQSKTER[Gly107Val]SYSSYGRESN